The following is an entry in ClinVar:

NM_024675.4(PALB2):c.732_733dup (p.Ala245fs)

Gene: PALB2 (partner and localizer of BRCA2; minus strand). Cytogenetic location: 16p12.2.
Variant type: Duplication.
Coding change: c.732_733dup on transcript NM_024675.4 (MANE Select); coding-DNA positions 732 to 733, 2 bases duplicated (GG; older notation c.732_733dupGG).
Protein change: p.Ala245fs; shifts the reading frame from alanine 245.
Molecular consequence: frameshift variant. On other transcripts: 5 prime UTR variant (8), intron variant (3).
Genome position (GRCh38, 1-based): chr16:23,635,813-23,635,814, CC duplicated on the plus strand (GG on the coding strand, the reverse complement: PALB2 is on the minus strand); duplicating any 2 consecutive bases within chr16:23,635,813-23,635,815 gives the same sequence; the c. name uses the placement nearest the transcript's 3' end. VCF-style (leftmost placement, unchanged base first): chr16-23635812-G-GCC. GRCh37 (hg19) VCF-style: chr16-23647133-G-GCC.
Other names: c.672_673dup, p.Ala225fs (NM_001407296.1); c.732_733dup, p.Ala245fs (NM_001407297.1, NM_001407298.1, NM_001407299.1 and 3 more transcripts); c.-154_-153dup (NM_001407304.1, NM_001407305.1, NM_001407306.1 and 5 more transcripts); c.48+5296_48+5297dup (NM_001407314.1); c.-105+5296_-105+5297dup (NM_001407313.1, NM_001407312.1); short protein forms A225fs, A245fs.
Identifiers: ClinVar variation 3382296 (VCV003382296.3).

ClinVar aggregate classification (germline): Likely pathogenic (1 of 4 stars; one submission).

Conditions:
Fanconi anemia complementation group N. Also called: PALB2-Related Fanconi Anemia. Identifiers: Orphanet 84, MedGen C1835817, MONDO:0012565, OMIM 610832. Disease mechanism: loss of function.
Pancreatic cancer, susceptibility to, 3. Identifiers: Orphanet 1333, MedGen C3150547, MONDO:0013236, OMIM 613348.
Breast-ovarian cancer, familial, susceptibility to, 5 (BROVCA5). Identifiers: MedGen C5830615, MONDO:0957530, OMIM 620442.

Submission:

Juno Genomics, Hangzhou Juno Genomics, Inc
Classification: Likely pathogenic for Breast-ovarian cancer, familial, susceptibility to, 5; Pancreatic cancer, susceptibility to, 3; Fanconi anemia complementation group N. Review status: criteria provided, single submitter. Criteria: ACMG Guidelines, 2015. Collection method: clinical testing. Allele origin: germline.
Comment: Null variant in a gene where loss of function (LOF) is a known mechanism of disease.;Absent from controls (or at extremely low frequency if recessive) in Genome Aggregation Database.